The following is an entry in ClinVar:

ClinVar aggregate classification (germline): Uncertain significance. Review status: criteria provided, multiple submitters, no conflicts (2 of 4 stars). 2 submissions from 2 submitters: Uncertain significance (2). Last evaluated 2025-01-11.

Conditions:
Cardiovascular phenotype. Identifiers: MedGen CN230736.
Hypertrophic cardiomyopathy 14. Identifiers: MedGen C2750467, MONDO:0013197, OMIM 613251.

Allele frequency attached by ClinVar (database versions not stated): gnomAD exomes below 0.00001 and 0.00001; TOPMed below 0.00001; gnomAD 0.00001; ExAC 0.00002; 1000 Genomes Project 30x 0.00016; 1000 Genomes Project 0.00020.
gnomAD v4.1: 8 of 1,614,228 alleles (0.0005%); highest among the groups gnomAD compares: East Asian, 0.011%; no homozygotes.

Submissions (2):

Ambry Genetics
Classification: Uncertain significance for Cardiovascular phenotype. Last evaluated: 2025-01-11. Review status: criteria provided, single submitter. Criteria: Ambry Variant Classification Scheme 2023. Collection method: clinical testing. Allele origin: germline.
Comment: The p.S644L variant (also known as c.1931C>T), located in coding exon 14 of the MYH6 gene, results from a C to T substitution at nucleotide position 1931. The serine at codon 644 is replaced by leucine, an amino acid with dissimilar properties. This amino acid position is conserved. In addition, the in silico prediction for this alteration is inconclusive. Based on the available evidence, the clinical significance of this variant remains unclear.

Labcorp Genetics (formerly Invitae), Labcorp
Classification: Uncertain significance for Hypertrophic cardiomyopathy 14. Last evaluated: 2024-08-13. Review status: criteria provided, single submitter. Criteria: Invitae Variant Classification Sherloc (09022015). Collection method: clinical testing. Allele origin: germline.
Comment: This sequence change replaces serine, which is neutral and polar, with leucine, which is neutral and non-polar, at codon 644 of the MYH6 protein (p.Ser644Leu). This variant is present in population databases (rs563533053, gnomAD 0.02%). This variant has not been reported in the literature in individuals affected with MYH6-related conditions. ClinVar contains an entry for this variant (Variation ID: 1416550). Advanced modeling of protein sequence and biophysical properties (such as structural, functional, and spatial information, amino acid conservation, physicochemical variation, residue mobility, and thermodynamic stability) performed at Invitae indicates that this missense variant is expected to disrupt MYH6 protein function with a positive predictive value of 80%. In summary, the available evidence is currently insufficient to determine the role of this variant in disease. Therefore, it has been classified as a Variant of Uncertain Significance.

NM_002471.4(MYH6):c.1931C>T (p.Ser644Leu)

Gene: MYH6 (myosin heavy chain 6; minus strand). Cytogenetic location: 14q11.2.
Variant type: single nucleotide variant.
Coding change: c.1931C>T on transcript NM_002471.4 (MANE Select); coding-DNA position 1931, C replaced by T.
Protein change: p.Ser644Leu; replaces serine 644 with leucine.
Molecular consequence: missense variant.
Genome position (GRCh38, 1-based): chr14:23,397,574, G>A on the plus strand (C>T on the coding strand, the complement: MYH6 is on the minus strand). VCF-style: chr14-23397574-G-A. GRCh37 (hg19) VCF-style: chr14-23866783-G-A.
Other names: c.1931C>T (NM_002471.3); short protein forms S644L.
Identifiers: ClinVar variation 1416550 (VCV001416550.10), dbSNP rs563533053, ClinGen allele CA7115662.